The following is an entry in ClinVar:

ClinVar aggregate classification (germline): Conflicting classifications of pathogenicity. Review status: criteria provided, conflicting classifications (1 of 4 stars). 3 submissions from 3 submitters: Likely pathogenic (1); Uncertain significance (2). Last evaluated 2026-03-19.

Conditions:
Intellectual developmental disorder, autosomal dominant 22. Also called: Intellectual disability, autosomal dominant 22. Identifiers: MedGen CN029689, MONDO:0012869, OMIM 612337.

Submissions (3):

Women's Health and Genetics/Laboratory Corporation of America, LabCorp
Classification: Uncertain significance. Last evaluated: 2026-03-19. Review status: criteria provided, single submitter. Criteria: LabCorp Variant Classification Summary - May 2015. Collection method: clinical testing. Allele origin: germline.
Comment: Variant summary: ZBTB18 c.1210G>A (p.Glu404Lys) results in a conservative amino acid change in the encoded protein sequence. Algorithms developed to predict the effect of missense changes on protein structure and function are either unavailable or do not agree on the potential impact of this missense change. The variant was absent in 249294 control chromosomes. The available data on variant occurrences in the general population are insufficient to allow any conclusion about variant significance. To our knowledge, no occurrence of c.1210G>A in individuals affected with ZBTB18-related conditions and no experimental evidence demonstrating its impact on protein function have been reported. ClinVar contains an entry for this variant (Variation ID: 1685477). Based on the evidence outlined above, the variant was classified as uncertain significance.

Labcorp Genetics (formerly Invitae), Labcorp
Classification: Uncertain significance. Last evaluated: 2024-09-06. Review status: criteria provided, single submitter. Criteria: Invitae Variant Classification Sherloc (09022015). Collection method: clinical testing. Allele origin: germline.
Comment: This sequence change replaces glutamic acid, which is acidic and polar, with lysine, which is basic and polar, at codon 404 of the ZBTB18 protein (p.Glu404Lys). This variant is not present in population databases (gnomAD no frequency). This variant has not been reported in the literature in individuals affected with ZBTB18-related conditions. ClinVar contains an entry for this variant (Variation ID: 1685477). An algorithm developed to predict the effect of missense changes on protein structure and function (PolyPhen-2) suggests that this variant is likely to be tolerated. In summary, the available evidence is currently insufficient to determine the role of this variant in disease. Therefore, it has been classified as a Variant of Uncertain Significance.

Mendelics
Classification: Likely pathogenic for Intellectual developmental disorder, autosomal dominant 22. Last evaluated: 2022-05-04. Review status: criteria provided, single submitter. Criteria: Mendelics Assertion Criteria 2019. Collection method: clinical testing. Allele origin: germline.

NM_205768.3(ZBTB18):c.1210G>A (p.Glu404Lys)

Gene: ZBTB18 (zinc finger and BTB domain containing 18; plus strand). Cytogenetic location: 1q44.
Variant type: single nucleotide variant.
Coding change: c.1210G>A on transcript NM_205768.3 (MANE Select); coding-DNA position 1210, G replaced by A.
Protein change: p.Glu404Lys; replaces glutamic acid 404 with lysine.
Molecular consequence: missense variant.
Genome position (GRCh38, 1-based): chr1:244,054,984, G>A. VCF-style: chr1-244054984-G-A. GRCh37 (hg19) VCF-style: chr1-244218286-G-A.
Other names: c.1183G>A, p.Glu395Lys (NM_001278196.2, NM_006352.5); short protein forms E395K, E404K.
Identifiers: ClinVar variation 1685477 (VCV001685477.4), dbSNP rs2148557375, ClinGen allele CA345674620.